The following is an entry in ClinVar:

ClinVar aggregate classification (germline): Uncertain significance. Review status: criteria provided, multiple submitters, no conflicts (2 of 4 stars). 3 submissions from 3 submitters: Uncertain significance (3). Last evaluated 2024-08-26.

Conditions:
Inborn genetic diseases. Identifiers: MedGen C0950123, MeSH D030342.

Submissions (3):

Ambry Genetics
Classification: Uncertain significance for Inborn genetic diseases. Last evaluated: 2024-08-26. Review status: criteria provided, single submitter. Criteria: Ambry Variant Classification Scheme 2023. Collection method: clinical testing. Allele origin: germline.

Labcorp Genetics (formerly Invitae), Labcorp
Classification: Uncertain significance. Last evaluated: 2024-03-16. Review status: criteria provided, single submitter. Criteria: Invitae Variant Classification Sherloc (09022015). Collection method: clinical testing. Allele origin: germline.
Comment: This sequence change replaces arginine, which is basic and polar, with cysteine, which is neutral and slightly polar, at codon 233 of the ITM2B protein (p.Arg233Cys). This variant is present in population databases (rs756025247, gnomAD 0.01%). This variant has not been reported in the literature in individuals affected with ITM2B-related conditions. Advanced modeling of protein sequence and biophysical properties (such as structural, functional, and spatial information, amino acid conservation, physicochemical variation, residue mobility, and thermodynamic stability) performed at Invitae indicates that this missense variant is expected to disrupt ITM2B protein function with a positive predictive value of 80%. In summary, the available evidence is currently insufficient to determine the role of this variant in disease. Therefore, it has been classified as a Variant of Uncertain Significance.

Blueprint Genetics
Classification: Uncertain significance. Last evaluated: 2021-03-26. Review status: criteria provided, single submitter. Criteria: ACMG Guidelines, 2015. Collection method: clinical testing. Allele origin: germline.

NM_021999.5(ITM2B):c.697C>T (p.Arg233Cys)

Gene: ITM2B (integral membrane protein 2B; plus strand). Cytogenetic location: 13q14.2.
Variant type: single nucleotide variant.
Coding change: c.697C>T on transcript NM_021999.5 (MANE Select); coding-DNA position 697, C replaced by T.
Protein change: p.Arg233Cys; replaces arginine 233 with cysteine.
Molecular consequence: missense variant.
Genome position (GRCh38, 1-based): chr13:48,258,929, C>T. VCF-style: chr13-48258929-C-T. GRCh37 (hg19) VCF-style: chr13-48833065-C-T.
Other names: short protein forms R233C.
Identifiers: ClinVar variation 3530808 (VCV003530808.4).